The following is an entry in ClinVar:

NM_001267550.2(TTN):c.80198T>A (p.Val26733Glu)

Genes: TTN (titin; minus strand), TTN-AS1 (TTN antisense RNA 1; plus strand). Cytogenetic location: 2q31.2.
Variant type: single nucleotide variant.
Coding change: c.80198T>A on transcript NM_001267550.2 (MANE Select); coding-DNA position 80198, T replaced by A.
Protein change: p.Val26733Glu; replaces valine 26733 with glutamic acid.
Molecular consequence: missense variant.
Genome position (GRCh38, 1-based): chr2:178,565,934, A>T on the plus strand (T>A on the coding strand, the complement: TTN is on the minus strand). VCF-style: chr2-178565934-A-T. GRCh37 (hg19) VCF-style: chr2-179430661-A-T.
Other names: c.75275T>A, p.Val25092Glu (NM_001256850.1); c.53003T>A, p.Val17668Glu (NM_003319.4); c.72494T>A, p.Val24165Glu (NM_133378.4); c.53378T>A, p.Val17793Glu (NM_133432.3); c.53579T>A, p.Val17860Glu (NM_133437.4); short protein forms V17668E, V17860E, V24165E, V26733E, V17793E, V25092E.
Identifiers: ClinVar variation 4987521 (VCV004987521.1).

ClinVar aggregate classification (germline): Uncertain significance (1 of 4 stars; one submission).

Conditions:
TTN-related disorder. Also called: TTN-related disorders; TTN-related condition; TTN-related disease.

gnomAD v4.1: 3 of 1,613,578 alleles (0.00019%); highest among the groups gnomAD compares: African/African-American, 0.0027%; no homozygotes.

Submission:

PreventionGenetics, part of Exact Sciences
Classification: Uncertain significance for TTN-related condition. Last evaluated: 2026-02-25. Review status: criteria provided, single submitter. Criteria: ACMG Guidelines, 2015. Collection method: clinical testing. Allele origin: germline.
Comment: The TTN c.80198T>A variant is predicted to result in the amino acid substitution p.Val26733Glu. To our knowledge, this variant has not been reported in the literature. This variant is reported in 0.015% of alleles in individuals of East Asian descent in gnomAD. At this time, the clinical significance of this variant is uncertain due to the absence of conclusive functional and genetic evidence.